The following is an entry in ClinVar:

ClinVar aggregate classification (germline): Uncertain significance (1 of 4 stars; one submission).

Conditions:
Isolated microphthalmia 5. Also called: Posterior Microphthalmia with Retinitis Pigmentosa, Foveoschisis, and Optic Disc Drusen. Identifiers: Orphanet 251279, MedGen C1970236, MONDO:0012605, OMIM 611040.

Submission:

Labcorp Genetics (formerly Invitae), Labcorp
Classification: Uncertain significance for Isolated microphthalmia 5. Last evaluated: 2022-10-13. Review status: criteria provided, single submitter. Criteria: Invitae Variant Classification Sherloc (09022015). Collection method: clinical testing. Allele origin: germline.
Comment: This variant is not present in population databases (gnomAD no frequency). This sequence change replaces lysine, which is basic and polar, with glutamine, which is neutral and polar, at codon 505 of the MFRP protein (p.Lys505Gln). In summary, the available evidence is currently insufficient to determine the role of this variant in disease. Therefore, it has been classified as a Variant of Uncertain Significance. Algorithms developed to predict the effect of missense changes on protein structure and function (SIFT, PolyPhen-2, Align-GVGD) all suggest that this variant is likely to be tolerated. This variant has not been reported in the literature in individuals affected with MFRP-related conditions.

NM_031433.4(MFRP):c.1513A>C (p.Lys505Gln)

Genes: C1QTNF5 (C1q and TNF related 5; minus strand), MFRP (membrane frizzled-related protein; minus strand). Cytogenetic location: 11q23.3.
Variant type: single nucleotide variant.
Coding change: c.1513A>C on transcript NM_031433.4 (MANE Select); coding-DNA position 1513, A replaced by C.
Protein change: p.Lys505Gln; replaces lysine 505 with glutamine.
Molecular consequence: missense variant. On other transcripts: 5 prime UTR variant (1).
Genome position (GRCh38, 1-based): chr11:119,341,859, T>G on the plus strand (A>C on the coding strand, the complement: MFRP is on the minus strand). VCF-style: chr11-119341859-T-G. GRCh37 (hg19) VCF-style: chr11-119212569-T-G.
Other names: c.-1124A>C (NM_015645.5); short protein forms K505Q.
Identifiers: ClinVar variation 2198490 (VCV002198490.3), dbSNP rs2497079981, ClinGen allele CA382972278.
Genomic context (GRCh38, chr11:119,341,859, plus strand): 5'-ACCTGCTCCCAGGCTCCTCCCCTCCCAGGCCCGCCCTCCTTCCCTCCACCCAGAAGACCT[T>G]GTAACCGCTGAGGACCTCTACCACCTCCTCCTGGGTGATCATGCCCACCCAGATGTTAGG-3'
Protein context (NP_113621.1, residues 495-515): EEVVEVLSGY[Lys505Gln]SLTSLPCYQH